The following is an entry in ClinVar:

ClinVar aggregate classification (germline): Uncertain significance (1 of 4 stars; one submission).

Conditions:
Short-rib thoracic dysplasia 11 with or without polydactyly (SRTD11). Also called: SHORT-RIB THORACIC DYSPLASIA 11 WITHOUT POLYDACTYLY. Identifiers: Orphanet 474, Orphanet 93271, MedGen C3810200, MONDO:0014287, OMIM 615633.

Allele frequency attached by ClinVar (database versions not stated): ExAC 0.00001; gnomAD exomes 0.00001.
gnomAD v4.1: 20 of 1,612,826 alleles (0.0012%); highest among the groups gnomAD compares: Non-Finnish European, 0.0016%; no homozygotes.

Submission:

Labcorp Genetics (formerly Invitae), Labcorp
Classification: Uncertain significance for Short-rib thoracic dysplasia 11 with or without polydactyly. Last evaluated: 2022-11-08. Review status: criteria provided, single submitter. Criteria: Invitae Variant Classification Sherloc (09022015). Collection method: clinical testing. Allele origin: germline.
Comment: In summary, the available evidence is currently insufficient to determine the role of this variant in disease. Therefore, it has been classified as a Variant of Uncertain Significance. Algorithms developed to predict the effect of sequence changes on RNA splicing suggest that this variant may create or strengthen a splice site. Algorithms developed to predict the effect of missense changes on protein structure and function (SIFT, PolyPhen-2, Align-GVGD) all suggest that this variant is likely to be tolerated. ClinVar contains an entry for this variant (Variation ID: 1681222). This variant has not been reported in the literature in individuals affected with WDR34-related conditions. This variant is present in population databases (rs746568024, gnomAD 0.002%). This sequence change replaces serine, which is neutral and polar, with asparagine, which is neutral and polar, at codon 281 of the WDR34 protein (p.Ser281Asn).

NM_052844.4(DYNC2I2):c.842G>A (p.Ser281Asn)

Genes: DYNC2I2 (dynein 2 intermediate chain 2; minus strand), LOC126860772 (CDK7 strongly-dependent group 2 enhancer GRCh37_chr9:131396972-131398171; plus strand). Cytogenetic location: 9q34.11.
Variant type: single nucleotide variant.
Coding change: c.842G>A on transcript NM_052844.4 (MANE Select); coding-DNA position 842, G replaced by A.
Protein change: p.Ser281Asn; replaces serine 281 with asparagine.
Molecular consequence: missense variant.
Genome position (GRCh38, 1-based): chr9:128,635,231, C>T on the plus strand (G>A on the coding strand, the complement: DYNC2I2 is on the minus strand). VCF-style: chr9-128635231-C-T. GRCh37 (hg19) VCF-style: chr9-131397510-C-T.
Other names: short protein forms S281N.
Identifiers: ClinVar variation 1681222 (VCV001681222.6), dbSNP rs746568024, ClinGen allele CA5266439.
Genomic context (GRCh38, chr9:128,635,231, plus strand): 5'-ATGCCCTGCCAGAGTAGCACCTTCCCGTCGGTGGCCACACTCAGCACCTGGAAGCGGTGG[C>T]TGTGCCCAGGCTCGGGCAGCCACACCACCTGAGTTAACAGCATGCAGGGCCAGGATGGAG-3'
Protein context (NP_443076.2, residues 271-291): QVVWLPEPGH[Ser281Asn]HRFQVLSVAT